The following is an entry in ClinVar:

NM_001363711.2(DUOX2):c.1962C>T (p.Gly654=)

Gene: DUOX2 (dual oxidase 2; minus strand). Cytogenetic location: 15q21.1.
Variant type: single nucleotide variant.
Coding change: c.1962C>T on transcript NM_001363711.2 (MANE Select); coding-DNA position 1962, C replaced by T.
Protein change: p.Gly654=; no amino-acid change (glycine 654 retained).
Molecular consequence: synonymous variant.
Genome position (GRCh38, 1-based): chr15:45,106,311, G>A on the plus strand (C>T on the coding strand, the complement: DUOX2 is on the minus strand). VCF-style: chr15-45106311-G-A. GRCh37 (hg19) VCF-style: chr15-45398509-G-A.
Other names: p.Gly654=; c.1962C>T, p.Gly654= (NM_014080.5).
Identifiers: ClinVar variation 316173 (VCV000316173.18), dbSNP rs58361817, ClinGen allele CA7538412.

ClinVar aggregate classification (germline): Benign. Review status: criteria provided, multiple submitters, no conflicts (2 of 4 stars). 6 submissions from 6 submitters: Benign (6). Last evaluated 2026-05-11.

Conditions:
Thyroid dyshormonogenesis 6 (TDH6). Also called: Genetic transient congenital hypothyroidism; HYPOTHYROIDISM, CONGENITAL, DUE TO DYSHORMONOGENESIS, 6; THYROID HORMONOGENESIS, GENETIC DEFECT IN, 6. Identifiers: Orphanet 226316, Orphanet 95716, MedGen C1846632, MONDO:0011792, OMIM 607200.

Allele frequency attached by ClinVar (database versions not stated): ESP Exome Variant Server 0.06265; TOPMed 0.06230; 1000 Genomes Project 30x 0.07105; gnomAD exomes 0.01398; gnomAD 0.05488 and 0.05875; ExAC 0.01725; 1000 Genomes Project 0.06470.

Submissions (6):

Women's Health and Genetics/Laboratory Corporation of America, LabCorp
Classification: Benign. Last evaluated: 2026-05-11. Review status: criteria provided, single submitter. Criteria: LabCorp Variant Classification Summary - May 2015. Collection method: clinical testing. Allele origin: germline.

Labcorp Genetics (formerly Invitae), Labcorp
Classification: Benign. Last evaluated: 2026-02-04. Review status: criteria provided, single submitter. Criteria: Invitae Variant Classification Sherloc (09022015). Collection method: clinical testing. Allele origin: germline.

Mayo Clinic Laboratories, Mayo Clinic
Classification: Benign. Last evaluated: 2024-10-08. Review status: criteria provided, single submitter. Criteria: ACMG Guidelines, 2015. Collection method: clinical testing. Allele origin: germline. Observed: 2 variant alleles.

GeneDx
Classification: Benign. Last evaluated: 2018-07-09. Review status: criteria provided, single submitter. Criteria: GeneDx Variant Classification Process June 2021. Collection method: clinical testing. Allele origin: germline. Affected: yes.

Illumina Laboratory Services, Illumina
Classification: Benign for Thyroid dyshormonogenesis 6. Last evaluated: 2018-01-12. Review status: criteria provided, single submitter. Criteria: ICSL Variant Classification Criteria 13 December 2019. Collection method: clinical testing. Allele origin: germline.
Comment: This variant was observed in the ICSL laboratory as part of a predisposition screen in an ostensibly healthy population. It had not been previously curated by ICSL or reported in the Human Gene Mutation Database (HGMD: prior to June 1st, 2018), and was therefore a candidate for classification through an automated scoring system. Utilizing variant allele frequency, disease prevalence and penetrance estimates, and inheritance mode, an automated score was calculated to assess if this variant is too frequent to cause the disease. Based on the score and internal cut-off values, a variant classified as benign is not then subjected to further curation. The score for this variant resulted in a classification of benign for this disease.

Breakthrough Genomics
Classification: Benign. Review status: criteria provided, single submitter. Criteria: ACMG Guidelines, 2015. Collection method: not provided. Allele origin: germline. Inheritance: Autosomal recessive inheritance. Affected: yes.